The following is an entry in ClinVar:

NM_001164462.2(MUC12):c.13704G>C (p.Leu4568Phe)

Gene: MUC12 (mucin 12, cell surface associated; plus strand). Cytogenetic location: 7q22.1.
Variant type: single nucleotide variant.
Coding change: c.13704G>C on transcript NM_001164462.2 (MANE Select); coding-DNA position 13704, G replaced by C.
Protein change: p.Leu4568Phe; replaces leucine 4568 with phenylalanine.
Molecular consequence: missense variant.
Genome position (GRCh38, 1-based): chr7:101,004,267, G>C. VCF-style: chr7-101004267-G-C. GRCh37 (hg19) VCF-style: chr7-100647548-G-C.
Other names: short protein forms L4568F.
Identifiers: ClinVar variation 403117 (VCV000403117.5), dbSNP rs73402837, ClinGen allele CA4400339.

ClinVar aggregate classification (germline): Benign. Review status: criteria provided, multiple submitters, no conflicts (2 of 4 stars). 2 submissions from 2 submitters: Benign (2). Last evaluated 2016-03-28.

Submissions (2):

Laboratory for Molecular Medicine, Mass General Brigham Personalized Medicine
Classification: Benign. Last evaluated: 2016-03-28. Review status: criteria provided, single submitter. Criteria: LMM Criteria. Collection method: clinical testing. Allele origin: germline.
Comment: Variant identified in a genome or exome case(s) and assessed due to predicted null impact of the variant or pathogenic assertions in the literature or databases. Disclaimer: This variant has not undergone full assessment. The following are preliminary notes: Frequency

Breakthrough Genomics
Classification: Benign. Review status: criteria provided, single submitter. Criteria: ACMG Guidelines, 2015. Collection method: not provided. Allele origin: germline. Inheritance: Unknown mechanism. Affected: yes.